The following is an entry in ClinVar:

ClinVar aggregate classification (germline): Pathogenic (1 of 4 stars; one submission).

Conditions:
Sulfite oxidase deficiency due to molybdenum cofactor deficiency type A. Also called: Molybdenum cofactor deficiency, complementation group A; Molybdenum Cofactor Deficiency A. Identifiers: Orphanet 308386, Orphanet 833, MedGen C1854988, MONDO:0009643, OMIM 252150.

Submission:

Labcorp Genetics (formerly Invitae), Labcorp
Classification: Pathogenic for Sulfite oxidase deficiency due to molybdenum cofactor deficiency type A. Last evaluated: 2023-02-16. Review status: criteria provided, single submitter. Criteria: Invitae Variant Classification Sherloc (09022015). Collection method: clinical testing. Allele origin: germline.
Comment: This sequence change creates a premature translational stop signal (p.Arg447Thrfs*16) in the MOCS1 gene. While this is not anticipated to result in nonsense mediated decay, it is expected to disrupt the last 190 amino acid(s) of the MOCS1 protein. This variant is not present in population databases (gnomAD no frequency). This variant has not been reported in the literature in individuals affected with MOCS1-related conditions. This variant disrupts a region of the MOCS1 protein in which other variant(s) (p.Glu503Alafs*103) have been determined to be pathogenic (PMID: 9731530, 9921896). This suggests that this is a clinically significant region of the protein, and that variants that disrupt it are likely to be disease-causing. For these reasons, this variant has been classified as Pathogenic.

Literature cited by the submitters: PubMed 9731530; PubMed 9921896.

NM_001358530.2(MOCS1):c.1340_1341del (p.Arg447fs)

Gene: MOCS1 (molybdenum cofactor synthesis 1; minus strand). Cytogenetic location: 6p21.2.
Variant type: Microsatellite.
Coding change: c.1340_1341del on transcript NM_001358530.2 (MANE Select); coding-DNA positions 1340 to 1341, 2 bases deleted (GA; older notation c.1340_1341delGA).
Protein change: p.Arg447fs; shifts the reading frame from arginine 447.
Molecular consequence: frameshift variant. On other transcripts: 3 prime UTR variant (4), non-coding transcript variant (1).
Genome position (GRCh38, 1-based): chr6:39,906,927-39,906,928, TC deleted on the plus strand (GA on the coding strand, the reverse complement: MOCS1 is on the minus strand); deleting any 2 consecutive bases within chr6:39,906,927-39,906,931 gives the same sequence; the c. name uses the placement nearest the transcript's 3' end. VCF-style (leftmost placement, unchanged base first): chr6-39906926-GTC-G. GRCh37 (hg19) VCF-style: chr6-39874702-GTC-G.
Other names: c.*195GA[1] (NM_001075098.4, NM_001358533.2, NM_001358534.2 and 1 more transcripts); c.1292_1293del, p.Arg431fs (NM_001358529.2); c.1079_1080del, p.Arg360fs (NM_001358531.2); short protein forms R431fs, R360fs, R447fs.
Identifiers: ClinVar variation 2837772 (VCV002837772.3), dbSNP rs2482258774, ClinGen allele CA2739273003.